The following is an entry in ClinVar:

ClinVar aggregate classification (germline): Uncertain significance (1 of 4 stars; one submission).

Allele frequency attached by ClinVar (database versions not stated): gnomAD exomes below 0.00001.
gnomAD v4.1: 1 of 1,614,092 alleles (0.000062%); highest among the groups gnomAD compares: Non-Finnish European, 0.000085%; no homozygotes.

Submission:

GeneDx
Classification: Uncertain significance. Last evaluated: 2019-06-11. Review status: criteria provided, single submitter. Criteria: GeneDx Variant Classification Process June 2021. Collection method: clinical testing. Allele origin: germline. Affected: yes.
Comment: Not observed in large population cohorts (Lek et al., 2016); In silico analysis, which includes protein predictors and evolutionary conservation, supports a deleterious effect; Has not been previously published as pathogenic or benign to our knowledge

NM_012179.4(FBXO7):c.992G>T (p.Gly331Val)

Gene: FBXO7 (F-box protein 7; plus strand). Cytogenetic location: 22q12.3.
Variant type: single nucleotide variant.
Coding change: c.992G>T on transcript NM_012179.4 (MANE Select); coding-DNA position 992, G replaced by T.
Protein change: p.Gly331Val; replaces glycine 331 with valine.
Molecular consequence: missense variant.
Genome position (GRCh38, 1-based): chr22:32,493,129, G>T. VCF-style: chr22-32493129-G-T. GRCh37 (hg19) VCF-style: chr22-32889116-G-T.
Other names: c.755G>T, p.Gly252Val (NM_001033024.2); c.650G>T, p.Gly217Val (NM_001257990.2); short protein forms G217V, G252V, G331V.
Identifiers: ClinVar variation 1302134 (VCV001302134.2), dbSNP rs2146002750, ClinGen allele CA411334506.